The following is an entry in ClinVar:

NM_001376013.1(EPB41):c.701A>G (p.Asp234Gly)

Gene: EPB41 (erythrocyte membrane protein band 4.1; plus strand). Cytogenetic location: 1p35.3.
Variant type: single nucleotide variant.
Coding change: c.701A>G on transcript NM_001376013.1 (MANE Select); coding-DNA position 701, A replaced by G.
Protein change: p.Asp234Gly; replaces aspartic acid 234 with glycine.
Molecular consequence: missense variant. On other transcripts: intron variant (1).
Genome position (GRCh38, 1-based): chr1:28,997,234, A>G. VCF-style: chr1-28997234-A-G. GRCh37 (hg19) VCF-style: chr1-29323746-A-G.
Other names: c.701A>G, p.Asp234Gly (NM_001166005.2, NM_001166006.2, NM_001376014.1 and 7 more transcripts); c.74A>G, p.Asp25Gly (NM_001166007.2, NM_001376022.1, NM_001376023.1 and 7 more transcripts); c.681+3692A>G (NM_203343.3); short protein forms D25G, D234G.
Identifiers: ClinVar variation 3685150 (VCV003685150.2).
Genomic context (GRCh38, chr1:28,997,234, plus strand): 5'-GAAGAAACCTCAACTCAACTAAGTCACGTATATCTTTGCAGAAACATGCTAAGGGACAAG[A>G]TTTGCTTAAACGAGTATGTGAGCATCTCAATCTTTTGGAAGAAGACTATTTTGGTCTAGC-3'
Protein context (NP_001362942.1, residues 224-244): CVVEKHAKGQ[Asp234Gly]LLKRVCEHLN

ClinVar aggregate classification (germline): Uncertain significance (1 of 4 stars; one submission).

gnomAD v4.1: 1 of 1,613,958 alleles (0.000062%); highest among the groups gnomAD compares: Non-Finnish European, 0.000085%; no homozygotes.

Submission:

Labcorp Genetics (formerly Invitae), Labcorp
Classification: Uncertain significance. Last evaluated: 2025-01-30. Review status: criteria provided, single submitter. Criteria: Invitae Variant Classification Sherloc (09022015). Collection method: clinical testing. Allele origin: germline.
Comment: This sequence change replaces aspartic acid, which is acidic and polar, with glycine, which is neutral and non-polar, at codon 25 of the EPB41 protein (p.Asp25Gly). This variant is not present in population databases (gnomAD no frequency). This variant has not been reported in the literature in individuals affected with EPB41-related conditions. Invitae Evidence Modeling of protein sequence and biophysical properties (such as structural, functional, and spatial information, amino acid conservation, physicochemical variation, residue mobility, and thermodynamic stability) has been performed for this missense variant. However, the output from this modeling did not meet the statistical confidence thresholds required to predict the impact of this variant on EPB41 protein function. In summary, the available evidence is currently insufficient to determine the role of this variant in disease. Therefore, it has been classified as a Variant of Uncertain Significance.